The following is an entry in ClinVar:

NM_001289808.2(CRYAB):c.136C>G (p.Pro46Ala)

Gene: CRYAB (crystallin alpha B; minus strand). Cytogenetic location: 11q23.1.
Variant type: single nucleotide variant.
Coding change: c.136C>G on transcript NM_001289808.2 (MANE Select); coding-DNA position 136, C replaced by G.
Protein change: p.Pro46Ala; replaces proline 46 with alanine.
Molecular consequence: missense variant.
Genome position (GRCh38, 1-based): chr11:111,911,589, G>C on the plus strand (C>G on the coding strand, the complement: CRYAB is on the minus strand). VCF-style: chr11-111911589-G-C. GRCh37 (hg19) VCF-style: chr11-111782313-G-C.
Other names: c.136C>G, p.Pro46Ala (NM_001289807.1, NM_001368245.1, NM_001885.3); short protein forms P46A.
Identifiers: ClinVar variation 4869429 (VCV004869429.1).
Genomic context (GRCh38, chr11:111,911,589, plus strand): 5'-AGAGTCCAGTGTCAAACCAGCTGGGTGCCCGCAGGAAGGAGGGTGGCCGAAGGTAGAAGG[G>C]ACTCAGGGAAGTAGACGTCGGGAAAAGATCAGACTCCAACAGGTGCTCTCCGAAGAACTG-3'
Protein context (NP_001276737.1, residues 36-56): DLFPTSTSLS[Pro46Ala]FYLRPPSFLR

ClinVar aggregate classification (germline): Uncertain significance (1 of 4 stars; one submission).

Conditions:
Cardiovascular phenotype. Identifiers: MedGen CN230736.

Submission:

Ambry Genetics
Classification: Uncertain significance for Cardiovascular phenotype. Last evaluated: 2026-03-15. Review status: criteria provided, single submitter. Criteria: Ambry Variant Classification Scheme 2023. Collection method: clinical testing. Allele origin: germline.
Comment: The p.P46A variant (also known as c.136C>G), located in coding exon 1 of the CRYAB gene, results from a C to G substitution at nucleotide position 136. The proline at codon 46 is replaced by alanine, an amino acid with highly similar properties. This amino acid position is conserved. In addition, the in silico prediction for this alteration is inconclusive. Based on the available evidence, the clinical significance of this variant remains unclear.